The following is an entry in ClinVar:

ClinVar aggregate classification (germline): Uncertain significance (1 of 4 stars; one submission).

Submission:

GeneDx
Classification: Uncertain significance. Last evaluated: 2023-03-17. Review status: criteria provided, single submitter. Criteria: GeneDx Variant Classification Process June 2021. Collection method: clinical testing. Allele origin: germline. Affected: yes.
Comment: Not observed at significant frequency in large population cohorts (gnomAD); In silico analysis supports that this missense variant has a deleterious effect on protein structure/function; Has not been previously published as pathogenic or benign to our knowledge.

NM_001393769.1(MED12L):c.1682T>G (p.Leu561Arg)

Gene: MED12L (mediator complex subunit 12L; plus strand). Cytogenetic location: 3q25.1.
Variant type: single nucleotide variant.
Coding change: c.1682T>G on transcript NM_001393769.1 (MANE Select); coding-DNA position 1682, T replaced by G.
Protein change: p.Leu561Arg; replaces leucine 561 with arginine.
Molecular consequence: missense variant.
Genome position (GRCh38, 1-based): chr3:151,188,409, T>G. VCF-style: chr3-151188409-T-G. GRCh37 (hg19) VCF-style: chr3-150906196-T-G.
Other names: c.1682T>G, p.Leu561Arg (NM_053002.6); short protein forms L561R.
Identifiers: ClinVar variation 2580098 (VCV002580098.1), dbSNP rs1397894252, ClinGen allele CA354960787.